The following is an entry in ClinVar:

NM_000540.3(RYR1):c.12729G>C (p.Glu4243Asp)

Gene: RYR1 (ryanodine receptor 1; plus strand). Cytogenetic location: 19q13.2.
Variant type: single nucleotide variant.
Coding change: c.12729G>C on transcript NM_000540.3 (MANE Select); coding-DNA position 12729, G replaced by C.
Protein change: p.Glu4243Asp; replaces glutamic acid 4243 with aspartic acid.
Molecular consequence: missense variant.
Genome position (GRCh38, 1-based): chr19:38,565,063, G>C. VCF-style: chr19-38565063-G-C. GRCh37 (hg19) VCF-style: chr19-39055703-G-C.
Other names: c.12714G>C, p.Glu4238Asp (NM_001042723.2); short protein forms E4238D, E4243D.
Identifiers: ClinVar variation 1061001 (VCV001061001.9), dbSNP rs1185644472, ClinGen allele CA405671023.

ClinVar aggregate classification (germline): Likely pathogenic (1 of 4 stars; one submission).

Conditions:
RYR1-related disorder. Also called: RYR1-related condition; RYR1-related disorders. Identifiers: MedGen CN239331.

Submission:

Labcorp Genetics (formerly Invitae), Labcorp
Classification: Likely pathogenic for RYR1-related disorder. Last evaluated: 2022-11-29. Review status: criteria provided, single submitter. Criteria: Invitae Variant Classification Sherloc (09022015). Collection method: clinical testing. Allele origin: germline.
Comment: This sequence change replaces glutamic acid, which is acidic and polar, with aspartic acid, which is acidic and polar, at codon 4243 of the RYR1 protein (p.Glu4243Asp). In summary, the currently available evidence indicates that the variant is pathogenic, but additional data are needed to prove that conclusively. Therefore, this variant has been classified as Likely Pathogenic. This variant disrupts the p.Glu4243 amino acid residue in RYR1. Other variant(s) that disrupt this residue have been determined to be pathogenic (PMID: 25037085). This suggests that this residue is clinically significant, and that variants that disrupt this residue are likely to be disease-causing. Advanced modeling of protein sequence and biophysical properties (such as structural, functional, and spatial information, amino acid conservation, physicochemical variation, residue mobility, and thermodynamic stability) performed at Invitae indicates that this missense variant is expected to disrupt RYR1 protein function. ClinVar contains an entry for this variant (Variation ID: 1061001). This variant has not been reported in the literature in individuals affected with RYR1-related conditions. This variant is not present in population databases (gnomAD no frequency).

Literature cited by the submitters: PubMed 25037085.